The following is an entry in ClinVar:

NM_001384732.1(CPLANE1):c.834+9A>G

Gene: CPLANE1 (ciliogenesis and planar polarity effector complex subunit 1; minus strand). Cytogenetic location: 5p13.2.
Variant type: single nucleotide variant.
Coding change: c.834+9A>G on transcript NM_001384732.1 (MANE Select); 9 bases into the intron after coding-DNA position 834, A replaced by G.
Molecular consequence: intron variant.
Genome position (GRCh38, 1-based): chr5:37,239,704, T>C on the plus strand (A>G on the coding strand, the complement: CPLANE1 is on the minus strand). VCF-style: chr5-37239704-T-C. GRCh37 (hg19) VCF-style: chr5-37239806-T-C.
Other names: c.834+9A>G (NM_023073.4).
Identifiers: ClinVar variation 1387573 (VCV001387573.6), dbSNP rs2150702789, ClinGen allele CA2573139591.

ClinVar aggregate classification (germline): Uncertain significance (1 of 4 stars; one submission).

Submission:

Labcorp Genetics (formerly Invitae), Labcorp
Classification: Uncertain significance. Last evaluated: 2021-09-18. Review status: criteria provided, single submitter. Criteria: Invitae Variant Classification Sherloc (09022015). Collection method: clinical testing. Allele origin: germline.
Comment: In summary, the available evidence is currently insufficient to determine the role of this variant in disease. Therefore, it has been classified as a Variant of Uncertain Significance. Algorithms developed to predict the effect of sequence changes on RNA splicing suggest that this variant may create or strengthen a splice site. This variant has not been reported in the literature in individuals affected with CPLANE1-related conditions. This variant is not present in population databases (ExAC no frequency). This sequence change falls in intron 7 of the CPLANE1 gene. It does not directly change the encoded amino acid sequence of the CPLANE1 protein.